The following is an entry in ClinVar:

NM_001130009.3(GEN1):c.2248G>T (p.Val750Phe)

Gene: GEN1 (GEN1 structure-specific endonuclease; plus strand). Cytogenetic location: 2p24.2.
Variant type: single nucleotide variant.
Coding change: c.2248G>T on transcript NM_001130009.3 (MANE Select); coding-DNA position 2248, G replaced by T.
Protein change: p.Val750Phe; replaces valine 750 with phenylalanine.
Molecular consequence: missense variant.
Genome position (GRCh38, 1-based): chr2:17,781,460, G>T. VCF-style: chr2-17781460-G-T. GRCh37 (hg19) VCF-style: chr2-17962727-G-T.
Other names: c.2248G>T, p.Val750Phe (NM_182625.5); short protein forms V750F.
Identifiers: ClinVar variation 1005274 (VCV001005274.10), dbSNP rs1047211166, ClinGen allele CA345927628.

ClinVar aggregate classification (germline): Uncertain significance (1 of 4 stars; one submission).

Allele frequency attached by ClinVar (database versions not stated): gnomAD exomes below 0.00001.
gnomAD v4.1: 5 of 1,613,508 alleles (0.00031%); highest among the groups gnomAD compares: Non-Finnish European, 0.00042%; no homozygotes.

Submission:

Labcorp Genetics (formerly Invitae), Labcorp
Classification: Uncertain significance. Last evaluated: 2022-09-12. Review status: criteria provided, single submitter. Criteria: Invitae Variant Classification Sherloc (09022015). Collection method: clinical testing. Allele origin: germline.
Comment: In summary, the available evidence is currently insufficient to determine the role of this variant in disease. Therefore, it has been classified as a Variant of Uncertain Significance. Algorithms developed to predict the effect of missense changes on protein structure and function (SIFT, PolyPhen-2, Align-GVGD) all suggest that this variant is likely to be tolerated. ClinVar contains an entry for this variant (Variation ID: 1005274). This variant has not been reported in the literature in individuals affected with GEN1-related conditions. This variant is present in population databases (no rsID available, gnomAD 0.0009%). This sequence change replaces valine, which is neutral and non-polar, with phenylalanine, which is neutral and non-polar, at codon 750 of the GEN1 protein (p.Val750Phe).